The following is an entry in ClinVar:

ClinVar aggregate classification (germline): Uncertain significance (1 of 4 stars; one submission).

Conditions:
Hereditary hemorrhagic telangiectasia (HHT). Also called: Osler hemorrhagic telangiectasia syndrome; ORW DISEASE; Osler Weber Rendu syndrome; OSLER-RENDU-WEBER DISEASE. Identifiers: Orphanet 774, MedGen C0039445, MONDO:0019180. Disease mechanism: loss of function.

Allele frequency attached by ClinVar (database versions not stated): gnomAD exomes below 0.00001.
gnomAD v4.1: 1 of 1,614,054 alleles (0.000062%); highest among the groups gnomAD compares: Non-Finnish European, 0.000085%; no homozygotes.

Submission:

Labcorp Genetics (formerly Invitae), Labcorp
Classification: Uncertain significance for Hereditary hemorrhagic telangiectasia. Last evaluated: 2019-06-13. Review status: criteria provided, single submitter. Criteria: Invitae Variant Classification Sherloc (09022015). Collection method: clinical testing. Allele origin: germline.
Comment: This sequence change replaces glycine with arginine at codon 453 of the ENG protein (p.Gly453Arg). The glycine residue is moderately conserved and there is a moderate physicochemical difference between glycine and arginine. This variant is not present in population databases (ExAC no frequency). This variant has not been reported in the literature in individuals with ENG-related conditions. Algorithms developed to predict the effect of missense changes on protein structure and function are either unavailable or do not agree on the potential impact of this missense change (SIFT: "Tolerated"; PolyPhen-2: "Probably Damaging"; Align-GVGD: "Class C0"). In summary, the available evidence is currently insufficient to determine the role of this variant in disease. Therefore, it has been classified as a Variant of Uncertain Significance.

NM_001114753.3(ENG):c.1357G>C (p.Gly453Arg)

Genes: ENG (endoglin; minus strand), LOC102723566 (uncharacterized LOC102723566; plus strand). Cytogenetic location: 9q34.11.
Variant type: single nucleotide variant.
Coding change: c.1357G>C on transcript NM_001114753.3 (MANE Select); coding-DNA position 1357, G replaced by C.
Protein change: p.Gly453Arg; replaces glycine 453 with arginine.
Molecular consequence: missense variant.
Genome position (GRCh38, 1-based): chr9:127,818,787, C>G on the plus strand (G>C on the coding strand, the complement: ENG is on the minus strand). VCF-style: chr9-127818787-C-G. GRCh37 (hg19) VCF-style: chr9-130581066-C-G.
Other names: c.1357G>C, p.Gly453Arg (NM_000118.4); c.811G>C, p.Gly271Arg (NM_001278138.2); short protein forms G271R, G453R.
Identifiers: ClinVar variation 952529 (VCV000952529.10), dbSNP rs1830398628, ClinGen allele CA374977529.
Genomic context (GRCh38, chr9:127,818,787, plus strand): 5'-TCTGCTGCCCCGGCTCGATGGTGTTGGAGGCCTGGAGGAAGTGTGGGCTGAGGTAGAGGC[C>G]CAGCTGGAAAGAGAGGCTGTCCATGTTGAGGCAGTGCACCTTTTTCTGGGGGAGGACGGG-3'
Protein context (NP_001108225.1, residues 443-463): LNMDSLSFQL[Gly453Arg]LYLSPHFLQA